The following is an entry in ClinVar:

NM_001352514.2(HLCS):c.1439T>A (p.Val480Glu)

Gene: HLCS (holocarboxylase synthetase; minus strand). Cytogenetic location: 21q22.13.
Variant type: single nucleotide variant.
Coding change: c.1439T>A on transcript NM_001352514.2 (MANE Select); coding-DNA position 1439, T replaced by A.
Protein change: p.Val480Glu; replaces valine 480 with glutamic acid.
Molecular consequence: missense variant. On other transcripts: non-coding transcript variant (2).
Genome position (GRCh38, 1-based): chr21:36,930,432, A>T on the plus strand (T>A on the coding strand, the complement: HLCS is on the minus strand). VCF-style: chr21-36930432-A-T. GRCh37 (hg19) VCF-style: chr21-38302732-A-T.
Other names: c.998T>A, p.Val333Glu (NM_000411.8, NM_001242784.3, NM_001242785.2 and 4 more transcripts); c.998T>A (NM_000411.7); short protein forms V333E, V480E.
Identifiers: ClinVar variation 1066875 (VCV001066875.10), dbSNP rs1198548955, ClinGen allele CA409911600.

ClinVar aggregate classification (germline): Likely pathogenic. Review status: criteria provided, multiple submitters, no conflicts (2 of 4 stars). 2 submissions from 2 submitters: Likely pathogenic (2). Last evaluated 2025-07-03.

Conditions:
Holocarboxylase synthetase deficiency. Also called: MULTIPLE CARBOXYLASE DEFICIENCY, EARLY ONSET. Identifiers: Orphanet 79242, MedGen C0268581, MONDO:0009666, OMIM 253270.

Allele frequency attached by ClinVar (database versions not stated): TOPMed below 0.00001.
gnomAD v4.1: 2 of 1,613,458 alleles (0.00012%); highest among the groups gnomAD compares: Non-Finnish European, 0.00017%; no homozygotes.

Submissions (2):

Natera, Inc.
Classification: Likely pathogenic for Holocarboxylase synthetase deficiency. Last evaluated: 2025-07-03. Review status: criteria provided, single submitter. Criteria: Natera Variant Classification Schema (03/2026). Collection method: clinical testing. Allele origin: germline.
Comment: The c.998T>A variant in HLCS is a missense variant predicted to cause substitution of valine to glutamic acid at amino acid 333. This variant is rare in the general population with a frequency below the threshold expected for the associated phenotype(s). This variant has been observed in one or more individuals affected with the associated recessive disease, as either homozygous or compound heterozygous with a second variant (PMID: 11735028). Functional studies show that this variant may disrupt protein function (PMID: 10190325). Computational prediction algorithms indicate this variant is likely to affect gene or protein function. Given the available evidence, this variant is classified as Likely Pathogenic.

Labcorp Genetics (formerly Invitae), Labcorp
Classification: Likely pathogenic for Holocarboxylase synthetase deficiency. Last evaluated: 2024-02-18. Review status: criteria provided, single submitter. Criteria: Invitae Variant Classification Sherloc (09022015). Collection method: clinical testing. Allele origin: germline.
Comment: This sequence change replaces valine, which is neutral and non-polar, with glutamic acid, which is acidic and polar, at codon 333 of the HLCS protein (p.Val333Glu). This variant is not present in population databases (gnomAD no frequency). This missense change has been observed in individual(s) with holocarboxylase synthetase deficiency (PMID: 10190325, 11735028; Invitae). In at least one individual the data is consistent with being in trans (on the opposite chromosome) from a pathogenic variant. ClinVar contains an entry for this variant (Variation ID: 1066875). An algorithm developed to predict the effect of missense changes on protein structure and function (PolyPhen-2) suggests that this variant is likely to be disruptive. Experimental studies have shown that this missense change affects HLCS function (PMID: 10190325, 10590022). In summary, the currently available evidence indicates that the variant is pathogenic, but additional data are needed to prove that conclusively. Therefore, this variant has been classified as Likely Pathogenic.

Literature cited by the submitters: PubMed 11735028 (cited by Natera, Inc. and Labcorp Genetics (formerly Invitae), Labcorp); PubMed 10190325 (cited by Natera, Inc. and Labcorp Genetics (formerly Invitae), Labcorp); PubMed 10590022 (cited by Labcorp Genetics (formerly Invitae), Labcorp).